The following is an entry in ClinVar:

NM_005502.4(ABCA1):c.1297A>T (p.Met433Leu)

Gene: ABCA1 (ATP binding cassette subfamily A member 1; minus strand). Cytogenetic location: 9q31.1.
Variant type: single nucleotide variant.
Coding change: c.1297A>T on transcript NM_005502.4 (MANE Select); coding-DNA position 1297, A replaced by T.
Protein change: p.Met433Leu; replaces methionine 433 with leucine.
Molecular consequence: missense variant.
Genome position (GRCh38, 1-based): chr9:104,836,994, T>A on the plus strand (A>T on the coding strand, the complement: ABCA1 is on the minus strand). VCF-style: chr9-104836994-T-A. GRCh37 (hg19) VCF-style: chr9-107599275-T-A.
Other names: short protein forms M433L.
Identifiers: ClinVar variation 4825554 (VCV004825554.1).

ClinVar aggregate classification (germline): Uncertain significance (1 of 4 stars; one submission).

Conditions:
Cardiovascular phenotype. Identifiers: MedGen CN230736.

gnomAD v4.1: 1 of 1,613,942 alleles (0.000062%); highest among the groups gnomAD compares: East Asian, 0.0022%; no homozygotes.

Submission:

Ambry Genetics
Classification: Uncertain significance for Cardiovascular phenotype. Last evaluated: 2026-01-21. Review status: criteria provided, single submitter. Criteria: Ambry Variant Classification Scheme 2023. Collection method: clinical testing. Allele origin: germline.
Comment: The p.M433L variant (also known as c.1297A>T), located in coding exon 10 of the ABCA1 gene, results from an A to T substitution at nucleotide position 1297. The methionine at codon 433 is replaced by leucine, an amino acid with highly similar properties. This amino acid position is conserved. In addition, this alteration is predicted to be deleterious by in silico analysis. Based on the available evidence, the clinical significance of this variant remains unclear.